The following is an entry in ClinVar:

NM_138927.4(SON):c.5624GATCAA[1] (p.1875RS[1])

Gene: SON (SON DNA and RNA binding protein; plus strand). Cytogenetic location: 21q22.11.
Variant type: Microsatellite.
Coding change: c.5624GATCAA[1] on transcript NM_138927.4 (MANE Select); one copy of the 6-base unit GATCAA starting at c.5624; the reference has two copies in a row; one copy, 6 bases deleted.
Protein change: p.1875RS[1].
Molecular consequence: inframe deletion. On other transcripts: non-coding transcript variant (1), intron variant (1).
Genome position (GRCh38, 1-based): chr21:33,554,861-33,554,866, GATCAA deleted; deleting any 6 consecutive bases within chr21:33,554,854-33,554,866 gives the same sequence; the position shown is the placement nearest the transcript's 3' end. VCF-style (leftmost placement, unchanged base first): chr21-33554853-CAGATCA-C. GRCh37 (hg19) VCF-style: chr21-34927159-CAGATCA-C.
Other names: c.5624GATCAA[1], p.1875RS[1] (NM_001291411.2, NM_032195.3); c.245-2295_245-2290del (NM_001291412.3).
Identifiers: ClinVar variation 1469651 (VCV001469651.9), dbSNP rs780892746, ClinGen allele CA10009773.
Genomic context (GRCh38, chr21:33,554,853, plus strand): 5'-CAAGTCTCATCGCTCTCAGACACGTTCACGGTCACGTTCAAGACGCAGGAGGAGAAGCAG[CAGATCA>C]AGATCAAAGTCTAGAGGAAGAAGATCTGTATCAAAAGAGAAGCGCAAAAGATCTCCAAAG-3'

ClinVar aggregate classification (germline): Uncertain significance (1 of 4 stars; one submission).

Submission:

Labcorp Genetics (formerly Invitae), Labcorp
Classification: Uncertain significance. Last evaluated: 2025-03-01. Review status: criteria provided, single submitter. Criteria: Invitae Variant Classification Sherloc (09022015). Collection method: clinical testing. Allele origin: germline.
Comment: This variant, c.5630_5635del, results in the deletion of 2 amino acid(s) of the SON protein (p.Arg1877_Ser1878del), but otherwise preserves the integrity of the reading frame. This variant is present in population databases (rs780892746, gnomAD 0.004%). This variant has not been reported in the literature in individuals affected with SON-related conditions. In summary, the available evidence is currently insufficient to determine the role of this variant in disease. Therefore, it has been classified as a Variant of Uncertain Significance.